The following is an entry in ClinVar:

ClinVar aggregate classification (germline): Uncertain significance. Review status: criteria provided, multiple submitters, no conflicts (2 of 4 stars). 2 submissions from 2 submitters: Uncertain significance (2). Last evaluated 2022-08-15.

Conditions:
L-2-hydroxyglutaric aciduria (L2HGA). Identifiers: Orphanet 79314, MedGen C1855995, MONDO:0009370, OMIM 236792, HP:0040144.
Inborn genetic diseases. Identifiers: MedGen C0950123, MeSH D030342.

Allele frequency attached by ClinVar (database versions not stated): gnomAD 0.00002; TOPMed 0.00004.
gnomAD v4.1: 13 of 1,613,784 alleles (0.00081%); highest among the groups gnomAD compares: Admixed American, 0.017%; no homozygotes.

Submissions (2):

Labcorp Genetics (formerly Invitae), Labcorp
Classification: Uncertain significance for L-2-hydroxyglutaric aciduria. Last evaluated: 2022-08-15. Review status: criteria provided, single submitter. Criteria: Invitae Variant Classification Sherloc (09022015). Collection method: clinical testing. Allele origin: germline.
Comment: This sequence change replaces alanine, which is neutral and non-polar, with threonine, which is neutral and polar, at codon 332 of the L2HGDH protein (p.Ala332Thr). This variant is present in population databases (no rsID available, gnomAD 0.03%). This variant has not been reported in the literature in individuals affected with L2HGDH-related conditions. Algorithms developed to predict the effect of missense changes on protein structure and function are either unavailable or do not agree on the potential impact of this missense change (SIFT: "Tolerated"; PolyPhen-2: "Probably Damaging"; Align-GVGD: "Class C0"). In summary, the available evidence is currently insufficient to determine the role of this variant in disease. Therefore, it has been classified as a Variant of Uncertain Significance.

Ambry Genetics
Classification: Uncertain significance for Inborn genetic diseases. Last evaluated: 2021-04-28. Review status: criteria provided, single submitter. Criteria: Ambry Variant Classification Scheme 2023. Collection method: clinical testing. Allele origin: germline.

NM_024884.3(L2HGDH):c.994G>A (p.Ala332Thr)

Gene: L2HGDH (L-2-hydroxyglutarate dehydrogenase; minus strand). Cytogenetic location: 14q21.3.
Variant type: single nucleotide variant.
Coding change: c.994G>A on transcript NM_024884.3 (MANE Select); coding-DNA position 994, G replaced by A.
Protein change: p.Ala332Thr; replaces alanine 332 with threonine.
Molecular consequence: missense variant.
Genome position (GRCh38, 1-based): chr14:50,267,823, C>T on the plus strand (G>A on the coding strand, the complement: L2HGDH is on the minus strand). VCF-style: chr14-50267823-C-T. GRCh37 (hg19) VCF-style: chr14-50734541-C-T.
Other names: c.994G>A (NM_024884.2); short protein forms A332T.
Identifiers: ClinVar variation 2197342 (VCV002197342.5), dbSNP rs893179903, ClinGen allele CA260738776.
Genomic context (GRCh38, chr14:50,267,823, plus strand): 5'-TTATATCCATAACATCTGTGGCACTGAAGTCAAAGGGTCTGTAACCCTCTCGTTTAAAGG[C>T]AAGAACTGCATTAGGCCCTAGCCAAATACTGCCATCCATCCTTGGTGTGAAGTGAACTCC-3'
Protein context (NP_079160.1, residues 322-342): SIWLGPNAVL[Ala332Thr]FKREGYRPFD